The following is an entry in ClinVar:

NM_000493.4(COL10A1):c.197G>A (p.Gly66Asp)

Genes: COL10A1 (collagen type X alpha 1 chain; minus strand), NT5DC1 (5'-nucleotidase domain containing 1; plus strand). Cytogenetic location: 6q22.1.
Variant type: single nucleotide variant.
Coding change: c.197G>A on transcript NM_000493.4 (MANE Select); coding-DNA position 197, G replaced by A.
Protein change: p.Gly66Asp; replaces glycine 66 with aspartic acid.
Molecular consequence: missense variant. On other transcripts: intron variant (1).
Genome position (GRCh38, 1-based): chr6:116,121,919, C>T on the plus strand (G>A on the coding strand, the complement: COL10A1 is on the minus strand). VCF-style: chr6-116121919-C-T. GRCh37 (hg19) VCF-style: chr6-116443082-C-T.
Other names: c.197G>A, p.Gly66Asp (NM_001424106.1, NM_001424107.1); c.529+3974C>T (NM_152729.3); short protein forms G66D.
Identifiers: ClinVar variation 4717085 (VCV004717085.1).

ClinVar aggregate classification (germline): Uncertain significance (1 of 4 stars; one submission).

Submission:

Labcorp Genetics (formerly Invitae), Labcorp
Classification: Uncertain significance. Last evaluated: 2025-08-29. Review status: criteria provided, single submitter. Criteria: Invitae Variant Classification Sherloc (09022015). Collection method: clinical testing. Allele origin: germline.
Comment: This sequence change replaces glycine, which is neutral and non-polar, with aspartic acid, which is acidic and polar, at codon 66 of the COL10A1 protein (p.Gly66Asp). This variant is not present in population databases (gnomAD no frequency). This variant has not been reported in the literature in individuals affected with COL10A1-related conditions. Invitae Evidence Modeling of protein sequence and biophysical properties (such as structural, functional, and spatial information, amino acid conservation, physicochemical variation, residue mobility, and thermodynamic stability) has been performed for this missense variant. However, the output from this modeling did not meet the statistical confidence thresholds required to predict the impact of this variant on COL10A1 protein function. In summary, the available evidence is currently insufficient to determine the role of this variant in disease. Therefore, it has been classified as a Variant of Uncertain Significance.